The following is an entry in ClinVar:

ClinVar aggregate classification (germline): Likely benign. Review status: criteria provided, multiple submitters, no conflicts (2 of 4 stars). 3 submissions from 3 submitters: Likely benign (3). Last evaluated 2026-06-29.

Conditions:
Ornithine carbamoyltransferase deficiency (OTCD). Also called: ORNITHINE TRANSCARBAMYLASE DEFICIENCY, HYPERAMMONEMIA DUE TO; OTC DEFICIENCY; Ornithine Carbamoyltransferase Deficiency Disease; ORNITHINE TRANSCARBAMYLASE DEFICIENCY. Identifiers: Orphanet 664, MedGen C0268542, MONDO:0010703, OMIM 311250.

Allele frequency attached by ClinVar (database versions not stated): gnomAD exomes 0.00001; TOPMed below 0.00001.
gnomAD v4.1: 6 of 1,204,616 alleles (0.0005%); highest among the groups gnomAD compares: Non-Finnish European, 0.00068%; no homozygotes.

Submissions (3):

Women's Health and Genetics/Laboratory Corporation of America, LabCorp
Classification: Likely benign. Last evaluated: 2026-06-29. Review status: criteria provided, single submitter. Criteria: LabCorp Variant Classification Summary - May 2015. Collection method: clinical testing. Allele origin: germline.

All of Us Research Program, National Institutes of Health
Classification: Likely benign for Ornithine carbamoyltransferase deficiency. Last evaluated: 2024-06-09. Review status: criteria provided, single submitter. Criteria: ACMG Guidelines, 2015. Collection method: clinical testing. Allele origin: germline. Inheritance: X-linked inheritance. Observed: 1 variant allele, 1 heterozygote.
Comment: This study involves interpretation of variants in research participants for the purpose of population health screening. Participant phenotype was not available at the time of variant classification. Additional details can be found in publication PMID: 35346344, PMCID: PMC8962531

Labcorp Genetics (formerly Invitae), Labcorp
Classification: Likely benign for Ornithine carbamoyltransferase deficiency. Last evaluated: 2023-08-02. Review status: criteria provided, single submitter. Criteria: Invitae Variant Classification Sherloc (09022015). Collection method: clinical testing. Allele origin: germline.

NM_000531.6(OTC):c.483T>C (p.Asn161=)

Gene: OTC (ornithine transcarbamylase; plus strand). Cytogenetic location: Xp11.4.
Variant type: single nucleotide variant.
Coding change: c.483T>C on transcript NM_000531.6 (MANE Select); coding-DNA position 483, T replaced by C.
Protein change: p.Asn161=; no amino-acid change (asparagine 161 retained).
Molecular consequence: synonymous variant.
Genome position (GRCh38, 1-based): chrX:38,401,371, T>C. VCF-style: chrX-38401371-T-C. GRCh37 (hg19) VCF-style: chrX-38260624-T-C.
Identifiers: ClinVar variation 1669656 (VCV001669656.10), dbSNP rs72558497, ClinGen allele CA515650482.